The following is an entry in ClinVar:

NM_001099289.3(SH3RF3):c.1841C>T (p.Ala614Val)

Genes: RANBP2 (RAN binding protein 2; plus strand), SH3RF3 (SH3 domain containing ring finger 3; plus strand). Cytogenetic location: 2q13.
Variant type: single nucleotide variant.
Coding change: c.1841C>T on transcript NM_001099289.3 (MANE Select); coding-DNA position 1841, C replaced by T.
Protein change: p.Ala614Val; replaces alanine 614 with valine.
Molecular consequence: missense variant.
Genome position (GRCh38, 1-based): chr2:109,449,182, C>T. VCF-style: chr2-109449182-C-T. GRCh37 (hg19) VCF-style: chr2-110065638-C-T.
Other names: short protein forms A614V.
Identifiers: ClinVar variation 4164370 (VCV004164370.1).

ClinVar aggregate classification (germline): Uncertain significance (1 of 4 stars; one submission).

gnomAD v4.1: 15 of 1,613,558 alleles (0.00093%); highest among the groups gnomAD compares: East Asian, 0.033%; no homozygotes.

Submission:

Ambry Genetics
Classification: Uncertain significance. Last evaluated: 2025-08-13. Review status: criteria provided, single submitter. Criteria: Ambry Variant Classification Scheme 2023. Collection method: clinical testing. Allele origin: germline.
Comment: The c.1841C>T (p.A614V) alteration is located in exon (coding exon ) of the SH3RF3 gene. This alteration results from a C to T substitution at nucleotide position 1841, causing the alanine (A) at amino acid position 614 to be replaced by a valine (V). Based on insufficient or conflicting evidence, the clinical significance of this alteration remains unclear.